The following is an entry in ClinVar:

NM_005477.3(HCN4):c.695G>C (p.Arg232Thr)

Gene: HCN4 (hyperpolarization activated cyclic nucleotide gated potassium channel 4; minus strand). Cytogenetic location: 15q24.1.
Variant type: single nucleotide variant.
Coding change: c.695G>C on transcript NM_005477.3 (MANE Select); coding-DNA position 695, G replaced by C.
Protein change: p.Arg232Thr; replaces arginine 232 with threonine.
Molecular consequence: missense variant.
Genome position (GRCh38, 1-based): chr15:73,367,576, C>G on the plus strand (G>C on the coding strand, the complement: HCN4 is on the minus strand). VCF-style: chr15-73367576-C-G. GRCh37 (hg19) VCF-style: chr15-73659917-C-G.
Other names: short protein forms R232T.
Identifiers: ClinVar variation 1389532 (VCV001389532.8), dbSNP rs768824090, ClinGen allele CA393097211.

ClinVar aggregate classification (germline): Uncertain significance (1 of 4 stars; one submission).

Conditions:
Brugada syndrome 8 (BRGDA8). Identifiers: Orphanet 130, MedGen C2751083, MONDO:0013148, OMIM 613123.

Submission:

Labcorp Genetics (formerly Invitae), Labcorp
Classification: Uncertain significance for Brugada syndrome 8. Last evaluated: 2022-10-13. Review status: criteria provided, single submitter. Criteria: Invitae Variant Classification Sherloc (09022015). Collection method: clinical testing. Allele origin: germline.
Comment: This sequence change replaces arginine, which is basic and polar, with threonine, which is neutral and polar, at codon 232 of the HCN4 protein (p.Arg232Thr). This variant is not present in population databases (gnomAD no frequency). This variant has not been reported in the literature in individuals affected with HCN4-related conditions. ClinVar contains an entry for this variant (Variation ID: 1389532). Advanced modeling of protein sequence and biophysical properties (such as structural, functional, and spatial information, amino acid conservation, physicochemical variation, residue mobility, and thermodynamic stability) performed at Invitae indicates that this missense variant is not expected to disrupt HCN4 protein function. In summary, the available evidence is currently insufficient to determine the role of this variant in disease. Therefore, it has been classified as a Variant of Uncertain Significance.